The following is an entry in ClinVar:

NM_000257.4(MYH7):c.209C>T (p.Thr70Ile)

Gene: MYH7 (myosin heavy chain 7; minus strand). Cytogenetic location: 14q11.2.
Variant type: single nucleotide variant.
Coding change: c.209C>T on transcript NM_000257.4 (MANE Select); coding-DNA position 209, C replaced by T.
Protein change: p.Thr70Ile; replaces threonine 70 with isoleucine.
Molecular consequence: missense variant.
Genome position (GRCh38, 1-based): chr14:23,433,220, G>A on the plus strand (C>T on the coding strand, the complement: MYH7 is on the minus strand). VCF-style: chr14-23433220-G-A. GRCh37 (hg19) VCF-style: chr14-23902429-G-A.
Other names: short protein forms T70I.
Identifiers: ClinVar variation 570834 (VCV000570834.10), dbSNP rs1327007939, ClinGen allele CA389053511.
Genomic context (GRCh38, chr14:23,433,220, plus strand): 5'-ATGTCCTCGATTTTGTCGAACTTGGGTGGGTTCTGCTGCATCACCTGGTCCTCCTTCACG[G>A]TCACTGTCTGCAAGAGCCCCCACCCAAGCCCTCCTGTCAGCCTGGGCTTTCCCTCCTTCC-3'
Protein context (NP_000248.2, residues 60-80): TAETEYGKTV[Thr70Ile]VKEDQVMQQN

ClinVar aggregate classification (germline): Uncertain significance (1 of 4 stars; one submission).

Conditions:
Hypertrophic cardiomyopathy 1 (CMH1). Also called: MYH7-Related Familial Hypertrophic Cardiomyopathy; Familial hypertrophic cardiomyopathy 1. Identifiers: MedGen C3495498, MONDO:0008647, OMIM 192600.
Hypertrophic cardiomyopathy. Also called: HYPERTROPHIC MYOCARDIOPATHY. Identifiers: Orphanet 217569, MedGen C0007194, MeSH D002312, MONDO:0005045, HP:0001639.

Submission:

Labcorp Genetics (formerly Invitae), Labcorp
Classification: Uncertain significance for Hypertrophic cardiomyopathy. Last evaluated: 2018-01-29. Review status: criteria provided, single submitter. Criteria: Invitae Variant Classification Sherloc (09022015). Collection method: clinical testing. Allele origin: germline.
Comment: In summary, the available evidence is currently insufficient to determine the role of this variant in disease. Therefore, it has been classified as a Variant of Uncertain Significance. A different missense substitution at this codon (p.Thr70Ser) has been reported in an individual affected with hypertrophic cardiomyopathy (PMID: 27247418). An algorithm developed specifically for the MYH7 gene suggests that this missense change is likely to be deleterious (PMID: 21310275). However, this prediction has not been confirmed by published functional studies and its clinical significance is uncertain. This variant has not been reported in the literature in individuals with MYH7-related disease. This variant is not present in population databases (ExAC no frequency). This sequence change replaces threonine with isoleucine at codon 70 of the MYH7 protein (p.Thr70Ile). The threonine residue is highly conserved and there is a moderate physicochemical difference between threonine and isoleucine.

Literature cited by the submitters: PubMed 27247418 (cited by Labcorp Genetics (formerly Invitae), Labcorp); PubMed 21310275 (cited by Labcorp Genetics (formerly Invitae), Labcorp).